The following is an entry in ClinVar:

ClinVar aggregate classification (germline): Uncertain significance (1 of 4 stars; one submission).

gnomAD v4.1: 2 of 1,203,954 alleles (0.00017%); highest among the groups gnomAD compares: Non-Finnish European, 0.00022%; no homozygotes.

Submission:

GeneDx
Classification: Uncertain significance. Last evaluated: 2026-02-12. Review status: criteria provided, single submitter. Criteria: GeneDx Variant Classification Process June 2021. Collection method: clinical testing. Allele origin: germline.
Comment: Not observed at significant frequency in large population cohorts (gnomAD); In silico analysis suggests that this missense variant does not alter protein structure/function; Has not been previously published as pathogenic or benign to our knowledge

NM_002547.3(OPHN1):c.528G>C (p.Glu176Asp)

Gene: OPHN1 (oligophrenin 1; minus strand). Cytogenetic location: Xq12.
Variant type: single nucleotide variant.
Coding change: c.528G>C on transcript NM_002547.3 (MANE Select); coding-DNA position 528, G replaced by C.
Protein change: p.Glu176Asp; replaces glutamic acid 176 with aspartic acid.
Molecular consequence: missense variant.
Genome position (GRCh38, 1-based): chrX:68,213,931, C>G on the plus strand (G>C on the coding strand, the complement: OPHN1 is on the minus strand). VCF-style: chrX-68213931-C-G. GRCh37 (hg19) VCF-style: chrX-67433773-C-G.
Other names: c.528G>C, p.Glu176Asp (NM_001437258.1); short protein forms E176D.
Identifiers: ClinVar variation 4976566 (VCV004976566.1).